The following is an entry in ClinVar:

NM_002467.6(MYC):c.176C>T (p.Ala59Val)

Gene: MYC (MYC proto-oncogene, bHLH transcription factor; plus strand). Cytogenetic location: 8q24.21.
Variant type: single nucleotide variant.
Coding change: c.176C>T on transcript NM_002467.6 (MANE Select); coding-DNA position 176, C replaced by T.
Protein change: p.Ala59Val; replaces alanine 59 with valine.
Molecular consequence: missense variant.
Genome position (GRCh38, 1-based): chr8:127,738,393, C>T. VCF-style: chr8-127738393-C-T. GRCh37 (hg19) VCF-style: chr8-128750639-C-T.
Other names: c.173C>T, p.Ala58Val (NM_001354870.1); short protein forms A59V, A58V.
Identifiers: ClinVar variation 4530454 (VCV004530454.2), dbSNP rs775522201.

ClinVar aggregate classification (somatic clinical impact): Tier II - Potential (1 of 4 stars; one submission).
ClinVar aggregate classification (oncogenicity): Uncertain significance (1 of 4 stars; one submission).

Conditions:
Rhabdomyosarcoma. Also called: Rhabdomyosarcoma (disease). Identifiers: Orphanet 780, MedGen C0035412, MeSH D012208, MONDO:0005212, HP:0002859.
Neoplasm. Also called: Neoplasms; Neoplasm (disease); tumor. Identifiers: MedGen C0027651, MeSH D009369, MONDO:0005070, HP:0002664.

Allele frequency attached by ClinVar (database versions not stated): ExAC 0.00001.

Submissions (2):

Center for Genomic Medicine, Rigshospitalet, Copenhagen University Hospital
Classification: Uncertain significance for Neoplasm. Last evaluated: 2026-10-16. Review status: criteria provided, single submitter. Criteria: ClinGen/CGC/VICC Guidelines for Oncogenicity, 2022. Collection method: clinical testing. Allele origin: somatic. Affected: yes.

Institute for Genomic Medicine (IGM) Clinical Laboratory, Nationwide Children's Hospital
Classification: Tier II - Potential for Rhabdomyosarcoma. Assertion type: diagnostic. Clinical significance: supports diagnosis. Last evaluated: 2024-08-13. Review status: criteria provided, single submitter. Criteria: AMP/ASCO/CAP Guidelines, 2017. Collection method: clinical testing. Allele origin: somatic. Affected: yes.
Comment: Variant has Tier II (potential) clinical significance as a diagnostic inclusion criterion in rhabdomyosarcoma, based on the following evidence: 1) Documented in one or more cancer databases (e.g., St. Jude Pecan, COSMIC, CIViC, OncoKB). 2) Assists in diagnosis alone or along with other biomarkers based on small studies or few case reports (Evidence Level D; PMIDs: 35705558, 35705560).

Literature cited by the submitters: PubMed 9927431 (cited by Center for Genomic Medicine, Rigshospitalet, Copenhagen University Hospital); PubMed 10825194 (cited by Center for Genomic Medicine, Rigshospitalet, Copenhagen University Hospital); PubMed 35705558 (cited by Institute for Genomic Medicine (IGM) Clinical Laboratory, Nationwide Children's Hospital); PubMed 35705560 (cited by Institute for Genomic Medicine (IGM) Clinical Laboratory, Nationwide Children's Hospital).